The following is an entry in ClinVar:

ClinVar aggregate classification (germline): Benign (1 of 4 stars; one submission).

Allele frequency attached by ClinVar (database versions not stated): 1000 Genomes Project 0.70308; 1000 Genomes Project 30x 0.71159; TOPMed 0.79824; gnomAD 0.79961 and 0.80967.
gnomAD v4.1: 121,793 of 152,178 alleles (80%); highest among the groups gnomAD compares: African/African-American, 87%; 49,329 homozygotes.

Submission:

GeneDx
Classification: Benign. Last evaluated: 2018-06-14. Review status: criteria provided, single submitter. Criteria: GeneDx Variant Classification (06012015). Collection method: clinical testing. Allele origin: germline. Affected: yes.
Comment: This variant is considered likely benign or benign based on one or more of the following criteria: it is a conservative change, it occurs at a poorly conserved position in the protein, it is predicted to be benign by multiple in silico algorithms, and/or has population frequency not consistent with disease.

NM_005476.7(GNE):c.1933+162G>C

Gene: GNE (glucosamine (UDP-N-acetyl)-2-epimerase/N-acetylmannosamine kinase; minus strand). Cytogenetic location: 9p13.3.
Variant type: single nucleotide variant.
Coding change: c.1933+162G>C on transcript NM_005476.7 (MANE Select); 162 bases into the intron after coding-DNA position 1933, G replaced by C.
Molecular consequence: intron variant.
Genome position (GRCh38, 1-based): chr9:36,218,021, C>G on the plus strand (G>C on the coding strand, the complement: GNE is on the minus strand). VCF-style: chr9-36218021-C-G. GRCh37 (hg19) VCF-style: chr9-36218018-C-G.
Other names: c.1756+162G>C (NM_001190388.2, NM_001374798.1); c.2026+162G>C (NM_001128227.3); c.1603+162G>C (NM_001190384.3); c.1780+162G>C (NM_001374797.1); c.1711+162G>C (NM_001190383.3).
Identifiers: ClinVar variation 681354 (VCV000681354.1), dbSNP rs615108, ClinGen allele CA15585699.